The following is an entry in ClinVar:

NM_004239.4(TRIP11):c.2102_2105del (p.Asn701fs)

Gene: TRIP11 (thyroid hormone receptor interactor 11; minus strand). Cytogenetic location: 14q32.12.
Variant type: Deletion.
Coding change: c.2102_2105del on transcript NM_004239.4 (MANE Select); coding-DNA positions 2102 to 2105, 4 bases deleted (ATCA; older notation c.2102_2105delATCA).
Protein change: p.Asn701fs; shifts the reading frame from asparagine 701.
Molecular consequence: frameshift variant.
Genome position (GRCh38, 1-based): chr14:92,005,871-92,005,874, TGAT deleted on the plus strand (ATCA on the coding strand, the reverse complement: TRIP11 is on the minus strand); deleting any 4 consecutive bases within chr14:92,005,871-92,005,876 gives the same sequence; the c. name uses the placement nearest the transcript's 3' end. VCF-style (leftmost placement, unchanged base first): chr14-92005870-CTGAT-C. GRCh37 (hg19) VCF-style: chr14-92472214-CTGAT-C.
Other names: c.2099_2102del, p.Asn700fs (NM_001321851.1); short protein forms N700fs, N701fs.
Identifiers: ClinVar variation 4077184 (VCV004077184.1).

ClinVar aggregate classification (germline): Pathogenic (1 of 4 stars; one submission).

Submission:

GeneDx
Classification: Pathogenic. Last evaluated: 2025-02-26. Review status: criteria provided, single submitter. Criteria: GeneDx Variant Classification Process June 2021. Collection method: clinical testing. Allele origin: germline. Affected: yes.
Comment: Frameshift variant predicted to result in protein truncation or nonsense mediated decay in a gene for which loss of function is a known mechanism of disease; Not observed at significant frequency in large population cohorts (gnomAD); This variant is associated with the following publications: (PMID: 33084842)